The following is an entry in ClinVar:

ClinVar aggregate classification (germline): Conflicting classifications of pathogenicity. Review status: criteria provided, conflicting classifications (1 of 4 stars). 5 submissions from 5 submitters: Uncertain significance (3); Benign (1); Likely benign (1). Last evaluated 2026-01-25.

Conditions:
Primary ciliary dyskinesia. Also called: Ciliary dyskinesia. Identifiers: Orphanet 244, MedGen C0008780, MONDO:0016575, HP:0012265.
Primary ciliary dyskinesia 7. Also called: CILIARY DYSKINESIA, PRIMARY, 7, WITH OR WITHOUT SITUS INVERSUS. Identifiers: Orphanet 244, MedGen C2678473, MONDO:0012748, OMIM 611884.

Allele frequency attached by ClinVar (database versions not stated): TOPMed 0.00028; 1000 Genomes Project 30x 0.00031; 1000 Genomes Project 0.00040; ESP Exome Variant Server 0.00042; gnomAD 0.00044 and 0.00047.
gnomAD v4.1: 792 of 1,605,632 alleles (0.049%); highest among the groups gnomAD compares: Admixed American, 0.08%; no homozygotes.

Submissions (5):

Labcorp Genetics (formerly Invitae), Labcorp
Classification: Benign for Primary ciliary dyskinesia. Last evaluated: 2026-01-25. Review status: criteria provided, single submitter. Criteria: Invitae Variant Classification Sherloc (09022015). Collection method: clinical testing. Allele origin: germline.

Mayo Clinic Laboratories, Mayo Clinic
Classification: Uncertain significance. Last evaluated: 2024-03-13. Review status: criteria provided, single submitter. Criteria: ACMG Guidelines, 2015. Collection method: clinical testing. Allele origin: germline. Observed: 1 variant allele.
Comment: BP4

CeGaT Center for Human Genetics Tuebingen
Classification: Likely benign. Last evaluated: 2023-09-01. Review status: criteria provided, single submitter. Criteria: CeGaT Center For Human Genetics Tuebingen Variant Classification Criteria Version 2. Collection method: clinical testing. Allele origin: germline. Affected: yes. Observed: 1 variant allele.
Comment: DNAH11: BP4

Genetics and Molecular Pathology, SA Pathology
Classification: Uncertain significance for Primary ciliary dyskinesia 7. Last evaluated: 2019-10-10. Review status: criteria provided, single submitter. Criteria: ACMG Guidelines, 2015. Collection method: clinical testing. Allele origin: germline. Affected: yes.

Ambry Genetics
Classification: Uncertain significance for Primary ciliary dyskinesia. Last evaluated: 2014-06-04. Review status: criteria provided, single submitter. Criteria: Ambry Variant Classification Scheme 2023. Collection method: clinical testing. Allele origin: germline.
Comment: The p.S2970Y variant (also known as c.8909C>A), located in coding exon 54 of the DNAH11 gene, results from a C to A substitution at nucleotide position 8909. The serine at codon 2970 is replaced by tyrosine, an amino acid with dissimilar properties. This variant was previously reported in the SNPDatabase as rs374033085. Based on data from the NHLBI Exome Sequencing Project (ESP), the A allele has an overall frequency of approximately 0.0 4% (5/11956) total alleles studied and 0.06% (5/8210) European American alleles. This variant was not identified in the homozygous state in 5,978 individuals studied. This amino acid position is conserved through mammals, but not in lower vertebrate species. In addition, this alteration is predicted to be probably damaging and deleterious by PolyPhen and SIFTin silicoanalyses, respectively. Since supporting evidence is limited at this time, the clinical significance of this variant remains unclear.

NM_001277115.2(DNAH11):c.8888C>A (p.Ser2963Tyr)

Gene: DNAH11 (dynein axonemal heavy chain 11; plus strand). Cytogenetic location: 7p15.3.
Variant type: single nucleotide variant.
Coding change: c.8888C>A on transcript NM_001277115.2 (MANE Select); coding-DNA position 8888, C replaced by A.
Protein change: p.Ser2963Tyr; replaces serine 2963 with tyrosine.
Molecular consequence: missense variant.
Genome position (GRCh38, 1-based): chr7:21,750,312, C>A. VCF-style: chr7-21750312-C-A. GRCh37 (hg19) VCF-style: chr7-21789930-C-A.
Other names: p.Ser2963Tyr; c.8909C>A (NM_003777.3); short protein forms S2963Y.
Identifiers: ClinVar variation 359661 (VCV000359661.43), dbSNP rs374033085, ClinGen allele CA4181771.
Genomic context (GRCh38, chr7:21,750,312, plus strand): 5'-ATGTGGACAAGATAATTTCTGGAATTCATAATGAAGTTCATGCTCTGGGCATGGTAGACT[C>A]CAGGGAAAACTGTTGGAAATTCTTTATGGCCAGGGTGCGACTACAGCTCAAAGTAAGAAA-3'
Protein context (NP_001264044.1, residues 2953-2973): NEVHALGMVD[Ser2963Tyr]RENCWKFFMA